The following is an entry in ClinVar:

NM_006904.7(PRKDC):c.9874G>T (p.Gly3292Cys)

Gene: PRKDC (protein kinase, DNA-activated, catalytic subunit; minus strand). Cytogenetic location: 8q11.21.
Variant type: single nucleotide variant.
Coding change: c.9874G>T on transcript NM_006904.7 (MANE Select); coding-DNA position 9874, G replaced by T.
Protein change: p.Gly3292Cys; replaces glycine 3292 with cysteine.
Molecular consequence: missense variant.
Genome position (GRCh38, 1-based): chr8:47,803,354, C>A on the plus strand (G>T on the coding strand, the complement: PRKDC is on the minus strand). VCF-style: chr8-47803354-C-A. GRCh37 (hg19) VCF-style: chr8-48715915-C-A.
Other names: c.9874G>T, p.Gly3292Cys (NM_001081640.2); short protein forms G3292C.
Identifiers: ClinVar variation 3425396 (VCV003425396.1).

ClinVar aggregate classification (germline): Uncertain significance (1 of 4 stars; one submission).

Submission:

Ambry Genetics
Classification: Uncertain significance. Last evaluated: 2024-11-09. Review status: criteria provided, single submitter. Criteria: Ambry Variant Classification Scheme 2023. Collection method: clinical testing. Allele origin: germline.
Comment: The p.G3292C variant (also known as c.9874G>T), located in coding exon 70 of the PRKDC gene, results from a G to T substitution at nucleotide position 9874. The glycine at codon 3292 is replaced by cysteine, an amino acid with highly dissimilar properties. This amino acid position is conserved. In addition, this alteration is predicted to be tolerated by in silico analysis. Based on the available evidence, the clinical significance of this variant remains unclear.